The following is an entry in ClinVar:

NM_002354.3(EPCAM):c.304A>C (p.Ser102Arg)

Gene: EPCAM (epithelial cell adhesion molecule; plus strand). Cytogenetic location: 2p21.
Variant type: single nucleotide variant.
Coding change: c.304A>C on transcript NM_002354.3 (MANE Select); coding-DNA position 304, A replaced by C.
Protein change: p.Ser102Arg; replaces serine 102 with arginine.
Molecular consequence: missense variant.
Genome position (GRCh38, 1-based): chr2:47,373,927, A>C. VCF-style: chr2-47373927-A-C. GRCh37 (hg19) VCF-style: chr2-47601066-A-C.
Other names: short protein forms S102R.
Identifiers: ClinVar variation 5036034 (VCV005036034.1).

ClinVar aggregate classification (germline): Uncertain significance (1 of 4 stars; one submission).

Conditions:
Hereditary cancer-predisposing syndrome. Also called: Hereditary Cancer Syndrome; Neoplastic Syndromes, Hereditary; Tumor predisposition; Hereditary neoplastic syndrome. Identifiers: Orphanet 140162, MedGen C0027672, MeSH D009386, MONDO:0015356.

Submission:

Ambry Genetics
Classification: Uncertain significance for Hereditary cancer-predisposing syndrome. Last evaluated: 2026-08-25. Review status: criteria provided, single submitter. Criteria: Ambry Variant Classification Scheme 2023. Collection method: clinical testing. Allele origin: germline.
Comment: The p.S102R variant (also known as c.304A>C), located in coding exon 3 of the EPCAM gene, results from an A to C substitution at nucleotide position 304. The serine at codon 102 is replaced by arginine, an amino acid with dissimilar properties. This amino acid position is conserved. In addition, this alteration is predicted to be tolerated by in silico analysis. Based on the available evidence, the clinical significance of this variant remains unclear.